The following is an entry in ClinVar:

ClinVar aggregate classification (germline): Uncertain significance (1 of 4 stars; one submission).

Submission:

Women's Health and Genetics/Laboratory Corporation of America, LabCorp
Classification: Uncertain significance. Last evaluated: 2025-05-12. Review status: criteria provided, single submitter. Criteria: LabCorp Variant Classification Summary - May 2015. Collection method: clinical testing. Allele origin: germline.
Comment: Variant summary: GLB1 c.819G>T (p.Trp273Cys) results in a non-conservative amino acid change in the encoded protein sequence. Algorithms developed to predict the effect of missense changes on protein structure and function all suggest that this variant is likely to be disruptive. The variant was absent in 249498 control chromosomes. The available data on variant occurrences in the general population are insufficient to allow any conclusion about variant significance. To our knowledge, no occurrence of c.819G>T in individuals affected with Mucopolysaccharidosis Type IVB (Morquio Syndrome B) and no experimental evidence demonstrating its impact on protein function have been reported. No submitters have cited clinical-significance assessments for this variant to ClinVar. A different variant affecting the same codon has been reported in the literature as pathogenic (p.W273R). Based on the evidence outlined above, the variant was classified as uncertain significance.

NM_000404.4(GLB1):c.819G>T (p.Trp273Cys)

Gene: GLB1 (galactosidase beta 1; minus strand). Cytogenetic location: 3p22.3.
Variant type: single nucleotide variant.
Coding change: c.819G>T on transcript NM_000404.4 (MANE Select); coding-DNA position 819, G replaced by T.
Protein change: p.Trp273Cys; replaces tryptophan 273 with cysteine.
Molecular consequence: missense variant.
Genome position (GRCh38, 1-based): chr3:33,051,978, C>A on the plus strand (G>T on the coding strand, the complement: GLB1 is on the minus strand). VCF-style: chr3-33051978-C-A. GRCh37 (hg19) VCF-style: chr3-33093470-C-A.
Other names: c.729G>T, p.Trp243Cys (NM_001079811.3); c.426G>T, p.Trp142Cys (NM_001135602.3); c.963G>T, p.Trp321Cys (NM_001317040.2); c.819G>T, p.Trp273Cys (NM_001393580.1); short protein forms W142C, W243C, W273C, W321C.
Identifiers: ClinVar variation 3902324 (VCV003902324.1).